The following is an entry in ClinVar:

NM_001374828.1(ARID1B):c.5317G>A (p.Glu1773Lys)

Gene: ARID1B (AT-rich interaction domain 1B; plus strand). Cytogenetic location: 6q25.3.
Variant type: single nucleotide variant.
Coding change: c.5317G>A on transcript NM_001374828.1 (MANE Select); coding-DNA position 5317, G replaced by A.
Protein change: p.Glu1773Lys; replaces glutamic acid 1773 with lysine.
Molecular consequence: missense variant.
Genome position (GRCh38, 1-based): chr6:157,203,919, G>A. VCF-style: chr6-157203919-G-A. GRCh37 (hg19) VCF-style: chr6-157525053-G-A.
Other names: c.2818G>A, p.Glu940Lys (NM_001363725.2); c.5197G>A, p.Glu1733Lys (NM_001371656.1, NM_001374820.1); c.5158G>A, p.Glu1720Lys (NM_017519.3); c.4948G>A (NM_020732.3); short protein forms E1720K, E1733K, E1773K, E940K.
Identifiers: ClinVar variation 3899000 (VCV003899000.1).

ClinVar aggregate classification (germline): Uncertain significance (1 of 4 stars; one submission).

Submission:

GeneDx
Classification: Uncertain significance. Last evaluated: 2024-11-08. Review status: criteria provided, single submitter. Criteria: GeneDx Variant Classification Process June 2021. Collection method: clinical testing. Allele origin: germline. Affected: yes.
Comment: Not observed at significant frequency in large population cohorts (gnomAD); In silico analysis supports that this missense variant has a deleterious effect on protein structure/function; In silico analysis suggests this variant may impact gene splicing. In the absence of RNA/functional studies, the actual effect of this sequence change is unknown.; Has not been previously published as pathogenic or benign to our knowledge